The following is an entry in ClinVar:

NM_020937.4(FANCM):c.443C>T (p.Thr148Ile)

Gene: FANCM (FA complementation group M; plus strand). Cytogenetic location: 14q21.2.
Variant type: single nucleotide variant.
Coding change: c.443C>T on transcript NM_020937.4 (MANE Select); coding-DNA position 443, C replaced by T.
Protein change: p.Thr148Ile; replaces threonine 148 with isoleucine.
Molecular consequence: missense variant.
Genome position (GRCh38, 1-based): chr14:45,136,474, C>T. VCF-style: chr14-45136474-C-T. GRCh37 (hg19) VCF-style: chr14-45605677-C-T.
Other names: c.443C>T, p.Thr148Ile (NM_001308133.2, NM_001308134.2); short protein forms T148I.
Identifiers: ClinVar variation 2785157 (VCV002785157.3), dbSNP rs765499974, ClinGen allele CA7168763.

ClinVar aggregate classification (germline): Uncertain significance (1 of 4 stars; one submission).

Conditions:
Fanconi anemia (FA). Also called: Fanconi's anemia. Identifiers: Orphanet 84, MedGen C0015625, MeSH D005199, MONDO:0019391.

Allele frequency attached by ClinVar (database versions not stated): gnomAD 0.00001; gnomAD exomes 0.00001; ExAC 0.00002.
gnomAD v4.1: 21 of 1,614,058 alleles (0.0013%); highest among the groups gnomAD compares: Non-Finnish European, 0.0018%; no homozygotes.

Submission:

Labcorp Genetics (formerly Invitae), Labcorp
Classification: Uncertain significance for Fanconi anemia. Last evaluated: 2024-01-04. Review status: criteria provided, single submitter. Criteria: Invitae Variant Classification Sherloc (09022015). Collection method: clinical testing. Allele origin: germline.
Comment: This sequence change replaces threonine, which is neutral and polar, with isoleucine, which is neutral and non-polar, at codon 148 of the FANCM protein (p.Thr148Ile). This variant is present in population databases (rs765499974, gnomAD 0.002%). This variant has not been reported in the literature in individuals affected with FANCM-related conditions. An algorithm developed to predict the effect of missense changes on protein structure and function (PolyPhen-2) suggests that this variant is likely to be tolerated. In summary, the available evidence is currently insufficient to determine the role of this variant in disease. Therefore, it has been classified as a Variant of Uncertain Significance.